The following is an entry in ClinVar:

ClinVar aggregate classification (germline): Uncertain significance (1 of 4 stars; one submission).

Submission:

Labcorp Genetics (formerly Invitae), Labcorp
Classification: Uncertain significance. Last evaluated: 2025-12-05. Review status: criteria provided, single submitter. Criteria: Invitae Variant Classification Sherloc (09022015). Collection method: clinical testing. Allele origin: germline.
Comment: This sequence change replaces asparagine, which is neutral and polar, with lysine, which is basic and polar, at codon 277 of the GRIA3 protein (p.Asn277Lys). This variant is not present in population databases (gnomAD no frequency). This variant has not been reported in the literature in individuals affected with GRIA3-related conditions. Invitae Evidence Modeling of protein sequence and biophysical properties (such as structural, functional, and spatial information, amino acid conservation, physicochemical variation, residue mobility, and thermodynamic stability) indicates that this missense variant is not expected to disrupt GRIA3 protein function with a negative predictive value of 80%. In summary, the available evidence is currently insufficient to determine the role of this variant in disease. Therefore, it has been classified as a Variant of Uncertain Significance.

NM_007325.5(GRIA3):c.831C>A (p.Asn277Lys)

Gene: GRIA3 (glutamate ionotropic receptor AMPA type subunit 3; plus strand). Cytogenetic location: Xq25.
Variant type: single nucleotide variant.
Coding change: c.831C>A on transcript NM_007325.5 (MANE Select); coding-DNA position 831, C replaced by A.
Protein change: p.Asn277Lys; replaces asparagine 277 with lysine.
Molecular consequence: missense variant.
Genome position (GRCh38, 1-based): chrX:123,395,048, C>A. VCF-style: chrX-123395048-C-A. GRCh37 (hg19) VCF-style: chrX-122528899-C-A.
Other names: c.831C>A, p.Asn277Lys (NM_000828.5); short protein forms N277K.
Identifiers: ClinVar variation 4782222 (VCV004782222.1).